The following is an entry in ClinVar:

ClinVar aggregate classification (germline): Uncertain significance. Review status: criteria provided, multiple submitters, no conflicts (2 of 4 stars). 3 submissions from 3 submitters: Uncertain significance (3). Last evaluated 2025-12-02.

Conditions:
Gorlin syndrome. Also called: Nevoid Basal Cell Carcinoma Syndrome; Basal cell nevus syndrome. Identifiers: Orphanet 377, MedGen C0004779, MONDO:0007187.
Basal cell carcinoma, susceptibility to, 1. Also called: BCC1. Identifiers: MedGen C2751544, MONDO:0011556, OMIM 605462.
Basal cell nevus syndrome 1 (BCNS1). Also called: GORLIN-GOLTZ SYNDROME; MULTIPLE BASAL CELL NEVI, ODONTOGENIC KERATOCYSTS, AND SKELETAL ANOMALIES. Identifiers: MedGen CN376810, MONDO:0958174, OMIM 109400.
Hereditary cancer-predisposing syndrome. Also called: Neoplastic Syndromes, Hereditary; Hereditary neoplastic syndrome; Hereditary Cancer Syndrome; Tumor predisposition. Identifiers: Orphanet 140162, MedGen C0027672, MeSH D009386, MONDO:0015356.

Allele frequency attached by ClinVar (database versions not stated): gnomAD exomes below 0.00001; ExAC 0.00001; gnomAD 0.00001; TOPMed 0.00001.
gnomAD v4.1: 7 of 1,613,970 alleles (0.00043%); highest among the groups gnomAD compares: South Asian, 0.0011%; no homozygotes.

Submissions (3):

Labcorp Genetics (formerly Invitae), Labcorp
Classification: Uncertain significance for Gorlin syndrome. Last evaluated: 2025-12-02. Review status: criteria provided, single submitter. Criteria: Invitae Variant Classification Sherloc (09022015). Collection method: clinical testing. Allele origin: germline.
Comment: This sequence change replaces arginine, which is basic and polar, with cysteine, which is neutral and slightly polar, at codon 665 of the PTCH1 protein (p.Arg665Cys). This variant is not present in population databases (gnomAD no frequency). This variant has not been reported in the literature in individuals affected with PTCH1-related conditions. ClinVar contains an entry for this variant (Variation ID: 658550). Invitae Evidence Modeling of protein sequence and biophysical properties (such as structural, functional, and spatial information, amino acid conservation, physicochemical variation, residue mobility, and thermodynamic stability) indicates that this missense variant is not expected to disrupt PTCH1 protein function with a negative predictive value of 95%. In summary, the available evidence is currently insufficient to determine the role of this variant in disease. Therefore, it has been classified as a Variant of Uncertain Significance.

Ambry Genetics
Classification: Uncertain significance for Hereditary cancer-predisposing syndrome. Last evaluated: 2023-03-25. Review status: criteria provided, single submitter. Criteria: Ambry Variant Classification Scheme 2023. Collection method: clinical testing. Allele origin: germline.
Comment: The p.R665C variant (also known as c.1993C>T), located in coding exon 14 of the PTCH1 gene, results from a C to T substitution at nucleotide position 1993. The arginine at codon 665 is replaced by cysteine, an amino acid with highly dissimilar properties. This alteration was identified in an individual diagnosed with multiple colorectal polyps (Weren RD et al. Nat Genet, 2015 Jun;47:668-71). This amino acid position is highly conserved in available vertebrate species. In addition, this alteration is predicted to be deleterious by in silico analysis. Since supporting evidence is limited at this time, the clinical significance of this alteration remains unclear.

Department of Pathology and Laboratory Medicine, Sinai Health System
Classification: Uncertain significance for Basal cell nevus syndrome 1; Basal cell carcinoma, susceptibility to, 1. Last evaluated: 2021-12-01. Review status: criteria provided, single submitter. Criteria: ACMG Guidelines, 2015. Collection method: research. Allele origin: germline.

Literature cited by the submitters: PubMed 25938944 (cited by Ambry Genetics).

NM_000264.5(PTCH1):c.1993C>T (p.Arg665Cys)

Genes: PTCH1 (patched 1; minus strand), LOC100507346 (uncharacterized LOC100507346; plus strand). Cytogenetic location: 9q22.32.
Variant type: single nucleotide variant.
Coding change: c.1993C>T on transcript NM_000264.5 (MANE Select); coding-DNA position 1993, C replaced by T.
Protein change: p.Arg665Cys; replaces arginine 665 with cysteine.
Molecular consequence: missense variant. On other transcripts: non-coding transcript variant (2).
Genome position (GRCh38, 1-based): chr9:95,469,008, G>A on the plus strand (C>T on the coding strand, the complement: PTCH1 is on the minus strand). VCF-style: chr9-95469008-G-A. GRCh37 (hg19) VCF-style: chr9-98231290-G-A.
Other names: c.1795C>T, p.Arg599Cys (NM_001083602.3); c.1990C>T, p.Arg664Cys (NM_001083603.3); c.1540C>T, p.Arg514Cys (NM_001083604.3, NM_001083605.3, NM_001083606.3 and 1 more transcripts); c.1837C>T, p.Arg613Cys (NM_001354918.2); short protein forms R599C, R665C, R664C, R514C, R613C.
Identifiers: ClinVar variation 658550 (VCV000658550.12), dbSNP rs767947110, ClinGen allele CA5138469.